The following is an entry in ClinVar:

ClinVar aggregate classification (germline): Uncertain significance (1 of 4 stars; one submission).

Conditions:
Inborn genetic diseases. Identifiers: MedGen C0950123, MeSH D030342.

Submission:

Ambry Genetics
Classification: Uncertain significance for Inborn genetic diseases. Last evaluated: 2026-06-14. Review status: criteria provided, single submitter. Criteria: Ambry Variant Classification Scheme 2023. Collection method: clinical testing. Allele origin: germline.
Comment: The p.S122T variant (also known as c.365G>C), located in coding exon 3 of the MBD4 gene, results from a G to C substitution at nucleotide position 365. The serine at codon 122 is replaced by threonine, an amino acid with similar properties. This amino acid position is conserved. In addition, this alteration is predicted to be tolerated by in silico analysis. Based on the available evidence, the clinical significance of this variant remains unclear.

NM_001276270.2(MBD4):c.365G>C (p.Ser122Thr)

Gene: MBD4 (methyl-CpG binding domain 4, DNA glycosylase; minus strand). Cytogenetic location: 3q21.3.
Variant type: single nucleotide variant.
Coding change: c.365G>C on transcript NM_001276270.2 (MANE Select); coding-DNA position 365, G replaced by C.
Protein change: p.Ser122Thr; replaces serine 122 with threonine.
Molecular consequence: missense variant. On other transcripts: intron variant (1).
Genome position (GRCh38, 1-based): chr3:129,437,279, C>G on the plus strand (G>C on the coding strand, the complement: MBD4 is on the minus strand). VCF-style: chr3-129437279-C-G. GRCh37 (hg19) VCF-style: chr3-129156122-C-G.
Other names: c.365G>C, p.Ser122Thr (NM_001276271.2, NM_001276272.2, NM_003925.3); c.247+529G>C (NM_001276273.2); short protein forms S122T.
Identifiers: ClinVar variation 4859628 (VCV004859628.1).
Genomic context (GRCh38, chr3:129,437,279, plus strand): 5'-TCAAAATCTTCTGGCTTAAGAGAAGTCTCTCCATTTTTGTGAAGATAATTAGCAAGTGAA[C>G]TTTTGGATCTGAACTTCAGTCCTTGTGGGCTAGAAAATGATATTAAAGGAAACTTACTGC-3'
Protein context (NP_001263199.1, residues 112-132): SPQGLKFRSK[Ser122Thr]SLANYLHKNG